The following is an entry in ClinVar:

ClinVar aggregate classification (germline): Uncertain significance (1 of 4 stars; one submission).

Conditions:
Inborn genetic diseases. Identifiers: MedGen C0950123, MeSH D030342.

Submission:

Ambry Genetics
Classification: Uncertain significance for Inborn genetic diseases. Last evaluated: 2024-01-13. Review status: criteria provided, single submitter. Criteria: Ambry Variant Classification Scheme 2023. Collection method: clinical testing. Allele origin: germline.
Comment: The p.P532L variant (also known as c.1595C>T), located in coding exon 17 of the ERCC2 gene, results from a C to T substitution at nucleotide position 1595. The proline at codon 532 is replaced by leucine, an amino acid with similar properties. This amino acid position is conserved. In addition, this alteration is predicted to be deleterious by in silico analysis. Since supporting evidence is limited at this time, the clinical significance of this alteration remains unclear.

NM_000400.4(ERCC2):c.1595C>T (p.Pro532Leu)

Gene: ERCC2 (ERCC excision repair 2, TFIIH core complex helicase subunit; minus strand). Cytogenetic location: 19q13.32.
Variant type: single nucleotide variant.
Coding change: c.1595C>T on transcript NM_000400.4 (MANE Select); coding-DNA position 1595, C replaced by T.
Protein change: p.Pro532Leu; replaces proline 532 with leucine.
Molecular consequence: missense variant.
Genome position (GRCh38, 1-based): chr19:45,354,800, G>A on the plus strand (C>T on the coding strand, the complement: ERCC2 is on the minus strand). VCF-style: chr19-45354800-G-A. GRCh37 (hg19) VCF-style: chr19-45858058-G-A.
Other names: short protein forms P532L.
Identifiers: ClinVar variation 3231652 (VCV003231652.1), dbSNP rs764973641, ClinGen allele CA406365426.